The following is an entry in ClinVar:

ClinVar aggregate classification (germline): Uncertain significance. Review status: criteria provided, multiple submitters, no conflicts (2 of 4 stars). 3 submissions from 3 submitters: Uncertain significance (3). Last evaluated 2025-06-13.

Conditions:
Long QT syndrome (LQTS). Identifiers: MedGen C0023976, MeSH D008133, MONDO:0002442. Disease mechanism: loss of function. Inheritance: Various modes of inheritance.
Cardiovascular phenotype. Identifiers: MedGen CN230736.

Allele frequency attached by ClinVar (database versions not stated): ExAC 0.00002; TOPMed 0.00003; gnomAD exomes 0.00004; gnomAD 0.00005.
gnomAD v4.1: 97 of 1,613,698 alleles (0.006%); highest among the groups gnomAD compares: Non-Finnish European, 0.0078%; no homozygotes.

Submissions (3):

Labcorp Genetics (formerly Invitae), Labcorp
Classification: Uncertain significance for Long QT syndrome. Last evaluated: 2025-06-13. Review status: criteria provided, single submitter. Criteria: Invitae Variant Classification Sherloc (09022015). Collection method: clinical testing. Allele origin: germline.
Comment: This sequence change replaces serine, which is neutral and polar, with arginine, which is basic and polar, at codon 2126 of the AKAP9 protein (p.Ser2126Arg). This variant is present in population databases (rs775673048, gnomAD 0.009%). This variant has not been reported in the literature in individuals affected with AKAP9-related conditions. ClinVar contains an entry for this variant (Variation ID: 360834). An algorithm developed to predict the effect of missense changes on protein structure and function (PolyPhen-2) suggests that this variant is likely to be disruptive. In summary, the available evidence is currently insufficient to determine the role of this variant in disease. Therefore, it has been classified as a Variant of Uncertain Significance.

Ambry Genetics
Classification: Uncertain significance for Cardiovascular phenotype. Last evaluated: 2025-05-24. Review status: criteria provided, single submitter. Criteria: Ambry Variant Classification Scheme 2023. Collection method: clinical testing. Allele origin: germline.
Comment: The p.S2126R variant (also known as c.6376A>C), located in coding exon 27 of the AKAP9 gene, results from an A to C substitution at nucleotide position 6376. The serine at codon 2126 is replaced by arginine, an amino acid with dissimilar properties. This amino acid position is conserved. In addition, this alteration is predicted to be tolerated by in silico analysis. Since supporting evidence is limited at this time, the clinical significance of this alteration remains unclear.

Women's Health and Genetics/Laboratory Corporation of America, LabCorp
Classification: Uncertain significance. Last evaluated: 2024-01-08. Review status: criteria provided, single submitter. Criteria: LabCorp Variant Classification Summary - May 2015. Collection method: clinical testing. Allele origin: germline.

NM_005751.5(AKAP9):c.6376A>C (p.Ser2126Arg)

Gene: AKAP9 (A-kinase anchoring protein 9; plus strand). Cytogenetic location: 7q21.2.
Variant type: single nucleotide variant.
Coding change: c.6376A>C on transcript NM_005751.5 (MANE Select); coding-DNA position 6376, A replaced by C.
Protein change: p.Ser2126Arg; replaces serine 2126 with arginine.
Molecular consequence: missense variant.
Genome position (GRCh38, 1-based): chr7:92,070,075, A>C. VCF-style: chr7-92070075-A-C. GRCh37 (hg19) VCF-style: chr7-91699389-A-C.
Other names: c.1021A>C, p.Ser341Arg (NM_001379277.1); c.6376A>C, p.Ser2126Arg (NM_147185.3); short protein forms S2126R, S341R.
Identifiers: ClinVar variation 360834 (VCV000360834.11), dbSNP rs775673048, ClinGen allele CA4337070.
Genomic context (GRCh38, chr7:92,070,075, plus strand): 5'-CCTCTTATATTTCAGGTTGAACAGTTAGCAAATCATCTGAAAGAAAAAACAGACAAATGC[A>C]GTGAGCTTTTGCTCTCTAAAGAGCAGCTTCAAAGGGATATACAAGAAAGGAATGAAGAAA-3'
Protein context (NP_005742.4, residues 2116-2136): NHLKEKTDKC[Ser2126Arg]ELLLSKEQLQ